The following is an entry in ClinVar:

ClinVar aggregate classification (germline): Pathogenic. Review status: criteria provided, multiple submitters, no conflicts (2 of 4 stars). 8 submissions from 7 submitters: Pathogenic (6). 2 of the submissions do not count toward it. Last evaluated 2025-12-19.

Conditions:
SUFU-related disorder. Also called: SUFU-related condition; SUFU-related disorders.
Basal cell nevus syndrome 2 (BCNS2). Also called: NEVOID BASAL CELL CARCINOMA SYNDROME 2. Identifiers: MedGen C5830451, MONDO:0958189, OMIM 620343.
Hereditary cancer-predisposing syndrome. Also called: Neoplastic Syndromes, Hereditary; Tumor predisposition; Hereditary neoplastic syndrome; Hereditary Cancer Syndrome. Identifiers: Orphanet 140162, MedGen C0027672, MeSH D009386, MONDO:0015356.
Medulloblastoma (MDB). Also called: Medulloblastoma, somatic; MEDULLOBLASTOMA PREDISPOSITION SYNDROME. Identifiers: Orphanet 616, MedGen C0025149, MeSH D008527, MONDO:0007959, OMIM 155255, HP:0002885.
Gorlin syndrome. Also called: Basal cell nevus syndrome; Nevoid Basal Cell Carcinoma Syndrome. Identifiers: Orphanet 377, MedGen C0004779, MONDO:0007187.

Allele frequency attached by ClinVar (database versions not stated): gnomAD exomes below 0.00001.
gnomAD v4.1: 2 of 1,613,764 alleles (0.00012%); highest among the groups gnomAD compares: Non-Finnish European, 0.00017%; no homozygotes.

Submissions (8):

Ambry Genetics
Classification: Pathogenic for Hereditary cancer-predisposing syndrome. Last evaluated: 2025-12-19. Review status: criteria provided, single submitter. Criteria: Ambry Variant Classification Scheme 2023. Collection method: clinical testing. Allele origin: germline.
Comment: The c.1022+1G>A intronic pathogenic mutation results from a G to A substitution one nucleotide after coding exon 8 of the SUFU gene. In addition, this alteration was detected in a father and son with a clinical diagnosis of Gorlin syndrome, and was absent in both of the father's clinically unaffected parents. Parentage was not confirmed, and the alteration was assumed to be de novo (Pastorino L et al. Am J Med Genet A, 2009 Jul;149A:1539-43). This variant was not reported in population-based cohorts in the Genome Aggregation Database (gnomAD). This nucleotide position is highly conserved in available vertebrate species. In silico splice site analysis predicts that this alteration will weaken the native splice donor site. RNA studies have demonstrated that this alteration results in abnormal splicing in the set of samples tested (Ambry internal data). Alterations that disrupt the canonical splice site are expected to cause aberrant splicing, resulting in an abnormal protein or a transcript that is subject to nonsense-mediated mRNA decay. As such, this alteration is classified as a disease-causing mutation.

GeneDx
Classification: Pathogenic. Last evaluated: 2025-06-25. Review status: criteria provided, single submitter. Criteria: GeneDx Variant Classification Process June 2021. Collection method: clinical testing. Allele origin: germline. Affected: yes.
Comment: Canonical splice site variant demonstrated to result in a null allele in a gene for which loss of function is a known mechanism of disease (TPMID: 12068298, 19533801); Not observed at significant frequency in large population cohorts (gnomAD); This variant is associated with the following publications: (PMID: 25525159, 19533801, 22508808, 22829011, 24217340, 15077159, 29725392, 29186568, 21188540, 34675124, 36497448, 36313636, 12068298)

Labcorp Genetics (formerly Invitae), Labcorp
Classification: Pathogenic for Gorlin syndrome; Medulloblastoma. Last evaluated: 2024-07-22. Review status: criteria provided, single submitter. Criteria: Invitae Variant Classification Sherloc (09022015). Collection method: clinical testing. Allele origin: germline.
Comment: This sequence change affects a donor splice site in intron 8 of the SUFU gene. RNA analysis indicates that disruption of this splice site induces altered splicing and may result in an absent or altered protein product. This variant is not present in population databases (gnomAD no frequency). Disruption of this splice site has been observed in individual(s) with desmoplastic medulloblastoma and/or Gorlin syndrome (PMID: 19533801, 21188540). In at least one individual the variant was observed to be de novo. This variant is also known as IVS8+1G>A. ClinVar contains an entry for this variant (Variation ID: 3571). Studies have shown that disruption of this splice site results in skipping of exon 8, and produces a non-functional protein and/or introduces a premature termination codon (PMID: 12068298, 19533801; Invitae). For these reasons, this variant has been classified as Pathogenic.

Institute for Genomic Medicine (IGM) Clinical Laboratory, Nationwide Children's Hospital
Classification: Pathogenic for Basal cell nevus syndrome 2. Last evaluated: 2023-06-15. Review status: criteria provided, single submitter. Criteria: ACMG Guidelines, 2015. Collection method: clinical testing. Allele origin: germline.
Comment: This variant is predicted to result in loss of function through nonsense-mediated decay of the encoded transcript or premature truncation of the encoded protein in a gene in which loss of function is a known mechanism of disease (ACMG/AMP: PVS1; PMIDs:17452975, 25403219, 29186568, 29725392). Well-established functional studies have demonstrated this variant to have a damaging effect on protein function or splicing (ACMG/AMP: PS3_Moderate; PMIDs:12068298, 19533801). This variant has been reported at an elevated frequency in affected individuals/in multiple affected individuals in the literature (ACMG/AMP: PS4_Supporting; PMIDs:21188540, 19533801). This variant is absent from or present at an exceedingly low frequency in gnomAD, a large-scale control population database (ACMG/AMP: PM2).

Illumina Laboratory Services, Illumina
Classification: Pathogenic for SUFU-related disorders. Last evaluated: 2019-02-12. Review status: criteria provided, single submitter. Criteria: ICSLVariantClassificationCriteria RUGD 01 April 2020. Collection method: clinical testing. Allele origin: unknown.
Comment: This variant was also identified in a desmoplastic medulloblastoma sample from an individual who had a germline deletion encompassing the SUFU gene (Taylor et al. 2002). This variant was absent from 200 control alleles and is not found in the Genome Aggregation Database. RT-PCR demonstrated this splice donor variant results in a protein lacking exon 8 and produces a frameshift which leads to an early stop codon and truncation of the protein (Pastorino et al. 2009). Co-precipitation studies showed this variant was unable to bind GLI1 and GLI2 transcription factors and accumulated with these transcription factors in the nucleus, thereby preventing suppression of hedgehog signaling pathway target genes (Taylor et al. 2002). Based on the evidence, the c.1022+1G>A variant is classified as pathogenic for SUFU-related disorders.

Clinical Genetics Service, Universitary Hospital 12 de Octubre
Classification: Pathogenic for Basal cell nevus syndrome 2. Review status: criteria provided, single submitter. Criteria: ACMG Guidelines, 2015. Collection method: clinical testing. Allele origin: germline. Affected: yes.

OMIM
Classification: Pathogenic for MEDULLOBLASTOMA, SOMATIC. Last evaluated: 2009-07-01. Review status: no assertion criteria provided. Collection method: literature only. Allele origin: somatic. Not counted in ClinVar's aggregate classification.

OMIM
Classification: Pathogenic for BASAL CELL NEVUS SYNDROME 2. Last evaluated: 2009-07-01. Review status: no assertion criteria provided. Collection method: literature only. Allele origin: germline. Not counted in ClinVar's aggregate classification.

Literature cited by the submitters: PubMed 19533801 (cited by 5 submitters); PubMed 21188540 (cited by 4 submitters); PubMed 12068298 (cited by 4 submitters); PubMed 17452975 (cited by Institute for Genomic Medicine (IGM) Clinical Laboratory, Nationwide Children's Hospital); PubMed 25403219 (cited by Institute for Genomic Medicine (IGM) Clinical Laboratory, Nationwide Children's Hospital); PubMed 29186568 (cited by Institute for Genomic Medicine (IGM) Clinical Laboratory, Nationwide Children's Hospital); PubMed 29725392 (cited by Institute for Genomic Medicine (IGM) Clinical Laboratory, Nationwide Children's Hospital).

NM_016169.4(SUFU):c.1022+1G>A

Gene: SUFU (SUFU negative regulator of hedgehog signaling; plus strand). Cytogenetic location: 10q24.32.
Variant type: single nucleotide variant.
Coding change: c.1022+1G>A on transcript NM_016169.4 (MANE Select); the canonical splice donor site of the intron after coding-DNA position 1022, G replaced by A.
Molecular consequence: splice donor variant.
Genome position (GRCh38, 1-based): chr10:102,599,545, G>A. VCF-style: chr10-102599545-G-A. GRCh37 (hg19) VCF-style: chr10-104359302-G-A.
Other names: IVS8, G-A, +1; c.1022+1G>A (NM_001178133.2).
Identifiers: ClinVar variation 3571 (VCV000003571.26), dbSNP rs587776578, ClinGen allele CA116364.